The following is an entry in ClinVar:

NM_001042492.3(NF1):c.1138C>G (p.Leu380Val)

Gene: NF1 (neurofibromin 1; plus strand). Cytogenetic location: 17q11.2.
Variant type: single nucleotide variant.
Coding change: c.1138C>G on transcript NM_001042492.3 (MANE Select); coding-DNA position 1138, C replaced by G.
Protein change: p.Leu380Val; replaces leucine 380 with valine.
Molecular consequence: missense variant.
Genome position (GRCh38, 1-based): chr17:31,201,112, C>G. VCF-style: chr17-31201112-C-G. GRCh37 (hg19) VCF-style: chr17-29528130-C-G.
Other names: c.1138C>G, p.Leu380Val (NM_000267.4, NM_001128147.3); short protein forms L380V.
Identifiers: ClinVar variation 2029187 (VCV002029187.5), dbSNP rs1426127948, ClinGen allele CA398997068.
Genomic context (GRCh38, chr17:31,201,112, plus strand): 5'-CCAAGTAAGCCATTCTCAAGAGGCAGTCAGCCTGCAGATGTGGATCTAATGATTGACTGC[C>G]TTGTTTCTTGCTTTCGTATAAGCCCTCACAACAACCAACACTTTAAGGTGAGAGCATTGG-3'
Protein context (NP_001035957.1, residues 370-390): PADVDLMIDC[Leu380Val]VSCFRISPHN

ClinVar aggregate classification (germline): Uncertain significance. Review status: criteria provided, multiple submitters, no conflicts (2 of 4 stars). 2 submissions from 2 submitters: Uncertain significance (2). Last evaluated 2025-09-15.

Conditions:
Neurofibromatosis, type 1 (NF1). Also called: VON RECKLINGHAUSEN DISEASE; NEUROFIBROMATOSIS, TYPE I, SOMATIC; Neurofibromatosis, type I; Peripheral type neurofibromatosis. Identifiers: Orphanet 636, MedGen C0027831, MONDO:0018975, OMIM 162200. Disease mechanism: loss of function.
Hereditary cancer-predisposing syndrome. Also called: Tumor predisposition; Hereditary neoplastic syndrome; Neoplastic Syndromes, Hereditary; Hereditary Cancer Syndrome. Identifiers: Orphanet 140162, MedGen C0027672, MeSH D009386, MONDO:0015356.
Cardiovascular phenotype. Identifiers: MedGen CN230736.

Submissions (2):

Ambry Genetics
Classification: Uncertain significance for Cardiovascular phenotype; Hereditary cancer-predisposing syndrome. Last evaluated: 2025-09-15. Review status: criteria provided, single submitter. Criteria: Ambry Variant Classification Scheme 2023. Collection method: clinical testing. Allele origin: germline.
Comment: The p.L380V variant (also known as c.1138C>G), located in coding exon 10 of the NF1 gene, results from a C to G substitution at nucleotide position 1138. The leucine at codon 380 is replaced by valine, an amino acid with highly similar properties. This amino acid position is well conserved in available vertebrate species. In addition, this alteration is predicted to be tolerated by in silico analysis. Based on the available evidence, the clinical significance of this variant remains unclear.

Labcorp Genetics (formerly Invitae), Labcorp
Classification: Uncertain significance for Neurofibromatosis, type 1. Last evaluated: 2022-10-13. Review status: criteria provided, single submitter. Criteria: Invitae Variant Classification Sherloc (09022015). Collection method: clinical testing. Allele origin: germline.
Comment: This sequence change replaces leucine, which is neutral and non-polar, with valine, which is neutral and non-polar, at codon 380 of the NF1 protein (p.Leu380Val). This variant is not present in population databases (gnomAD no frequency). This variant has not been reported in the literature in individuals affected with NF1-related conditions. Advanced modeling of protein sequence and biophysical properties (such as structural, functional, and spatial information, amino acid conservation, physicochemical variation, residue mobility, and thermodynamic stability) has been performed at Invitae for this missense variant, however the output from this modeling did not meet the statistical confidence thresholds required to predict the impact of this variant on NF1 protein function. This variant disrupts the p.Leu380 amino acid residue in NF1. Other variant(s) that disrupt this residue have been determined to be pathogenic (PMID: 21520333, 27999334; Invitae). This suggests that this residue is clinically significant, and that variants that disrupt this residue are likely to be disease-causing. In summary, the available evidence is currently insufficient to determine the role of this variant in disease. Therefore, it has been classified as a Variant of Uncertain Significance.

Literature cited by the submitters: PubMed 21520333 (cited by Labcorp Genetics (formerly Invitae), Labcorp); PubMed 27999334 (cited by Labcorp Genetics (formerly Invitae), Labcorp).